The following is an entry in ClinVar:

ClinVar aggregate classification (germline): Uncertain significance. Review status: criteria provided, multiple submitters, no conflicts (2 of 4 stars). 2 submissions from 2 submitters: Uncertain significance (2). Last evaluated 2026-01-06.

Conditions:
Carney-Stratakis syndrome. Also called: PARAGANGLIOMA AND GASTROINTESTINAL STROMAL TUMOR. Identifiers: Orphanet 97286, MedGen C1847319, MONDO:0011740, OMIM 606864.
Paragangliomas with sensorineural hearing loss. Identifiers: MedGen C1868633.
Pheochromocytoma. Also called: MAX-Related Hereditary Paraganglioma-Pheochromocytoma Syndrome. Identifiers: Orphanet 29072, MedGen C0031511, MONDO:0008233, OMIM 171300, HP:0002666.
Cowden syndrome 3 (CWS3). Identifiers: Orphanet 201, MedGen CN166604, MONDO:0014045.
Hereditary cancer-predisposing syndrome. Also called: Neoplastic Syndromes, Hereditary; Hereditary Cancer Syndrome; Tumor predisposition; Hereditary neoplastic syndrome. Identifiers: Orphanet 140162, MedGen C0027672, MeSH D009386, MONDO:0015356.

Allele frequency attached by ClinVar (database versions not stated): gnomAD exomes below 0.00001; ExAC 0.00001.

Submissions (2):

Labcorp Genetics (formerly Invitae), Labcorp
Classification: Uncertain significance for Carney-Stratakis syndrome; Paragangliomas with sensorineural hearing loss; Pheochromocytoma; Cowden syndrome 3. Last evaluated: 2026-01-06. Review status: criteria provided, single submitter. Criteria: Invitae Variant Classification Sherloc (09022015). Collection method: clinical testing. Allele origin: germline.
Comment: This sequence change replaces alanine, which is neutral and non-polar, with valine, which is neutral and non-polar, at codon 137 of the SDHD protein (p.Ala137Val). This variant is present in population databases (rs749250498, gnomAD 0.003%). This variant has not been reported in the literature in individuals affected with SDHD-related conditions. ClinVar contains an entry for this variant (Variation ID: 1477485). Invitae Evidence Modeling of protein sequence and biophysical properties (such as structural, functional, and spatial information, amino acid conservation, physicochemical variation, residue mobility, and thermodynamic stability) indicates that this missense variant is not expected to disrupt SDHD protein function with a negative predictive value of 80%. In summary, the available evidence is currently insufficient to determine the role of this variant in disease. Therefore, it has been classified as a Variant of Uncertain Significance.

Ambry Genetics
Classification: Uncertain significance for Hereditary cancer-predisposing syndrome. Last evaluated: 2022-04-29. Review status: criteria provided, single submitter. Criteria: Ambry Variant Classification Scheme 2023. Collection method: clinical testing. Allele origin: germline.
Comment: The p.A137V variant (also known as c.410C>T), located in coding exon 4 of the SDHD gene, results from a C to T substitution at nucleotide position 410. The alanine at codon 137 is replaced by valine, an amino acid with similar properties. This amino acid position is conserved. In addition, this alteration is predicted to be deleterious by in silico analysis. Since supporting evidence is limited at this time, the clinical significance of this alteration remains unclear.

NM_003002.4(SDHD):c.410C>T (p.Ala137Val)

Gene: SDHD (succinate dehydrogenase complex subunit D; plus strand). Cytogenetic location: 11q23.1.
Variant type: single nucleotide variant.
Coding change: c.410C>T on transcript NM_003002.4 (MANE Select); coding-DNA position 410, C replaced by T.
Protein change: p.Ala137Val; replaces alanine 137 with valine.
Molecular consequence: missense variant. On other transcripts: 3 prime UTR variant (2), non-coding transcript variant (1).
Genome position (GRCh38, 1-based): chr11:112,094,900, C>T. VCF-style: chr11-112094900-C-T. GRCh37 (hg19) VCF-style: chr11-111965624-C-T.
Other names: c.*7C>T (NM_001276503.2); c.293C>T, p.Ala98Val (NM_001276504.2); c.*108C>T (NM_001276506.2); short protein forms A98V, A137V.
Identifiers: ClinVar variation 1477485 (VCV001477485.10), dbSNP rs749250498, ClinGen allele CA071369.
Genomic context (GRCh38, chr11:112,094,900, plus strand): 5'-GGGATGCCTTGCAGAAAGCTGCCAAGGCAGGGCTTTTGGCACTTTCAGCTTTAACCTTTG[C>T]TGGGCTTTGCTATTTCAACTATCACGATGTGGGCATCTGCAAAGCTGTTGCCATGCTGTG-3'
Protein context (NP_002993.1, residues 127-147): GLLALSALTF[Ala137Val]GLCYFNYHDV